The following is an entry in ClinVar:

NM_000051.4(ATM):c.7972A>T (p.Asn2658Tyr)

Genes: ATM (ATM serine/threonine kinase; plus strand), C11orf65 (chromosome 11 open reading frame 65; minus strand). Cytogenetic location: 11q22.3.
Variant type: single nucleotide variant.
Coding change: c.7972A>T on transcript NM_000051.4 (MANE Select); coding-DNA position 7972, A replaced by T.
Protein change: p.Asn2658Tyr; replaces asparagine 2658 with tyrosine.
Molecular consequence: missense variant. On other transcripts: intron variant (2).
Genome position (GRCh38, 1-based): chr11:108,333,930, A>T. VCF-style: chr11-108333930-A-T. GRCh37 (hg19) VCF-style: chr11-108204657-A-T.
Other names: c.7972A>T, p.Asn2658Tyr (NM_001351834.2); c.641-24859T>A (NM_001330368.2); c.*38+1290T>A (NM_001351110.2); short protein forms N2658Y.
Identifiers: ClinVar variation 949404 (VCV000949404.10), dbSNP rs2086550573, ClinGen allele CA382561738.
Genomic context (GRCh38, chr11:108,333,930, plus strand): 5'-TCATTTTTAAATACAGAAGGCATAAATATTCCAGCAGACCAGCCAATTACTAAACTTAAG[A>T]ATTTAGAAGATGTTGTTGTCCCTACTATGGAAATTAAGGTAATTTGCAATTAACTCTTGA-3'
Protein context (NP_000042.3, residues 2648-2668): PADQPITKLK[Asn2658Tyr]LEDVVVPTME

ClinVar aggregate classification (germline): Uncertain significance (1 of 4 stars; one submission).

Conditions:
Ataxia-telangiectasia syndrome (AT). Also called: Ataxia-telangiectasia, complementation group D; AT, COMPLEMENTATION GROUP C; ATAXIA-TELANGIECTASIA, COMPLEMENTATION GROUP A; ATAXIA-TELANGIECTASIA, FRESNO VARIANT; Ataxia-telangiectasia; Ataxia telangiectasia (A-T). Identifiers: Orphanet 100, MedGen C0004135, MONDO:0008840, OMIM 208900.

Submission:

Labcorp Genetics (formerly Invitae), Labcorp
Classification: Uncertain significance for Ataxia-telangiectasia syndrome. Last evaluated: 2019-03-27. Review status: criteria provided, single submitter. Criteria: Invitae Variant Classification Sherloc (09022015). Collection method: clinical testing. Allele origin: germline.
Comment: This sequence change replaces asparagine with tyrosine at codon 2658 of the ATM protein (p.Asn2658Tyr). The asparagine residue is moderately conserved and there is a large physicochemical difference between asparagine and tyrosine. This variant is not present in population databases (ExAC no frequency). This variant has not been reported in the literature in individuals with ATM-related conditions. Algorithms developed to predict the effect of missense changes on protein structure and function are either unavailable or do not agree on the potential impact of this missense change (SIFT: "Deleterious"; PolyPhen-2: "Possibly Damaging"; Align-GVGD: "Class C0"). In summary, the available evidence is currently insufficient to determine the role of this variant in disease. Therefore, it has been classified as a Variant of Uncertain Significance.